The following is an entry in ClinVar:

ClinVar aggregate classification (germline): Conflicting classifications of pathogenicity. Review status: criteria provided, conflicting classifications (1 of 4 stars). 4 submissions from 4 submitters: Likely pathogenic (2); Uncertain significance (2). Last evaluated 2026-07-01.

Conditions:
Glycogen storage disease, type II (IOPD). Also called: CARDIOMEGALIA GLYCOGENICA DIFFUSA; GLYCOGENOSIS, GENERALIZED, CARDIAC FORM; GSD II; Glycogen storage disease type 2; Acid maltase deficiency disease; Aglucosidase alfa. Identifiers: Orphanet 365, MedGen C0017921, MONDO:0009290, OMIM 232300.

Allele frequency attached by ClinVar (database versions not stated): ExAC 0.00001.

Submissions (4):

Genomenon, Inc
Classification: Uncertain significance for Glycogen storage disease, type II. Last evaluated: 2026-07-01. Review status: criteria provided, single submitter. Criteria: Genomenon Sequence Variant Interpretation Standards - Updated. Collection method: curation. Allele origin: germline. Affected: yes.
Comment: GAA p.Thr234Ala (c.700A>G) is a missense variant that changes the amino acid at codon 234 from Threonine to Alanine. This variant has been observed in at least one proband with a GAA-related disorder in the compound heterozygous and/or homozygous state (PMID:33202836). It is absent or not present at a significant frequency in gnomAD. In silico models predict that this variant is possibly or probably damaging. In conclusion, we classify GAA p.Thr234Ala (c.700A>G) as a variant of uncertain significance.

Women's Health and Genetics/Laboratory Corporation of America, LabCorp
Classification: Likely pathogenic for Glycogen storage disease, type II. Last evaluated: 2025-06-25. Review status: criteria provided, single submitter. Criteria: LabCorp Variant Classification Summary - May 2015. Collection method: clinical testing. Allele origin: germline.
Comment: Variant summary: GAA c.700A>G (p.Thr234Ala) results in a non-conservative amino acid change located in the Glycoside hydrolase family 31, N-terminal domain (IPR025887) of the encoded protein sequence. Algorithms developed to predict the effect of missense changes on protein structure and function all suggest that this variant is likely to be disruptive. The variant allele was found at a frequency of 4e-06 in 250968 control chromosomes. c.700A>G has been observed in individual(s) with a positive newborn screening result for GAA-related disease (example: Ficicioglu_2020). To our knowledge, no experimental evidence demonstrating an impact on protein function has been reported. Other variant(s) that disrupt this residue have been determined to be pathogenic (example:p.Thr234Met). The following publication has been ascertained in the context of this evaluation (PMID: 33202836). ClinVar contains an entry for this variant (Variation ID: 1963482). Based on the evidence outlined above, the variant was classified as likely pathogenic.

Labcorp Genetics (formerly Invitae), Labcorp
Classification: Likely pathogenic for Glycogen storage disease, type II. Last evaluated: 2023-06-28. Review status: criteria provided, single submitter. Criteria: Invitae Variant Classification Sherloc (09022015). Collection method: clinical testing. Allele origin: germline.
Comment: In summary, the currently available evidence indicates that the variant is pathogenic, but additional data are needed to prove that conclusively. Therefore, this variant has been classified as Likely Pathogenic. This variant disrupts the p.Thr234 amino acid residue in GAA. Other variant(s) that disrupt this residue have been determined to be pathogenic (PMID: 22644586, 22676651, 34852371). This suggests that this residue is clinically significant, and that variants that disrupt this residue are likely to be disease-causing. Advanced modeling of protein sequence and biophysical properties (such as structural, functional, and spatial information, amino acid conservation, physicochemical variation, residue mobility, and thermodynamic stability) performed at Invitae indicates that this missense variant is expected to disrupt GAA protein function. ClinVar contains an entry for this variant (Variation ID: 1963482). This missense change has been observed in individual(s) with a positive newborn screening result for GAA-related disease (PMID: 33202836). This variant is present in population databases (rs766931184, gnomAD 0.007%). This sequence change replaces threonine, which is neutral and polar, with alanine, which is neutral and non-polar, at codon 234 of the GAA protein (p.Thr234Ala).

Revvity Omics, Revvity
Classification: Uncertain significance. Last evaluated: 2019-08-06. Review status: criteria provided, single submitter. Criteria: ACMG Guidelines, 2015. Collection method: clinical testing. Allele origin: germline.

Literature cited by the submitters: PubMed 33202836 (cited by 3 submitters); PubMed 22644586 (cited by Labcorp Genetics (formerly Invitae), Labcorp); PubMed 22676651 (cited by Labcorp Genetics (formerly Invitae), Labcorp); PubMed 34852371 (cited by Labcorp Genetics (formerly Invitae), Labcorp).

NM_000152.5(GAA):c.700A>G (p.Thr234Ala)

Gene: GAA (alpha glucosidase; plus strand). Cytogenetic location: 17q25.3.
Variant type: single nucleotide variant.
Coding change: c.700A>G on transcript NM_000152.5 (MANE Select); coding-DNA position 700, A replaced by G.
Protein change: p.Thr234Ala; replaces threonine 234 with alanine.
Molecular consequence: missense variant.
Genome position (GRCh38, 1-based): chr17:80,107,564, A>G. VCF-style: chr17-80107564-A-G. GRCh37 (hg19) VCF-style: chr17-78081363-A-G.
Other names: c.700A>G, p.Thr234Ala (NM_001079803.3, NM_001079804.3, NM_001406741.1 and 1 more transcripts); short protein forms T234A.
Identifiers: ClinVar variation 1963482 (VCV001963482.11), dbSNP rs766931184, ClinGen allele CA8814993.